The following is an entry in ClinVar:

NM_177550.5(SLC13A5):c.1276-1G>A

Gene: SLC13A5 (solute carrier family 13 member 5; minus strand). Cytogenetic location: 17p13.1.
Variant type: single nucleotide variant.
Coding change: c.1276-1G>A on transcript NM_177550.5 (MANE Select); the canonical splice acceptor site of the intron before coding-DNA position 1276, G replaced by A.
Molecular consequence: splice acceptor variant.
Genome position (GRCh38, 1-based): chr17:6,690,941, C>T on the plus strand (G>A on the coding strand, the complement: SLC13A5 is on the minus strand). VCF-style: chr17-6690941-C-T. GRCh37 (hg19) VCF-style: chr17-6594260-C-T.
Other names: c.1147-1G>A (NM_001284510.2); c.1225-1G>A (NM_001284509.2); c.1276-1G>A (NM_001143838.3).
Identifiers: ClinVar variation 803300 (VCV000803300.5), dbSNP rs1597657030, ClinGen allele CA397740220.
Genomic context (GRCh38, chr17:6,690,941, plus strand): 5'-CGGGGGCACTGCGTGCAAGGGCTCCATCTGCTTCCCCATCCACACGGACAGCCCCGAGGC[C>T]TGGGAAGCACCAGGAGGGCAGTCATCTCAGCGCTCCCAGCTTGCAGTTCCTTCAGGGCCA-3'

ClinVar aggregate classification (germline): Pathogenic/Likely pathogenic. Review status: criteria provided, multiple submitters, no conflicts (2 of 4 stars). 2 submissions from 2 submitters: Pathogenic (1); Likely pathogenic (1). Last evaluated 2024-09-14.

Conditions:
Developmental and epileptic encephalopathy, 25 (DEE25). Also called: Epileptic encephalopathy, early infantile, 25; Developmental and epileptic encephalopathy 25, with amelogenesis imperfecta; Epileptic encephalopathy, early infantile, 25, with amelogenesis imperfecta. Identifiers: Orphanet 442835, MedGen C4014621, MONDO:0014392, OMIM 615905.

Submissions (2):

Labcorp Genetics (formerly Invitae), Labcorp
Classification: Pathogenic for Developmental and epileptic encephalopathy, 25. Last evaluated: 2024-09-14. Review status: criteria provided, single submitter. Criteria: Invitae Variant Classification Sherloc (09022015). Collection method: clinical testing. Allele origin: germline.
Comment: This sequence change affects an acceptor splice site in intron 9 of the SLC13A5 gene. It is expected to disrupt RNA splicing. Variants that disrupt the donor or acceptor splice site typically lead to a loss of protein function (PMID: 16199547), and loss-of-function variants in SLC13A5 are known to be pathogenic (PMID: 24995870, 26384929). This variant is not present in population databases (gnomAD no frequency). Disruption of this splice site has been observed in individual(s) with clinical features of epileptic encephalopathy with cerebellar atrophy (PMID: 27261973, 27600704). In at least one individual the data is consistent with being in trans (on the opposite chromosome) from a pathogenic variant. ClinVar contains an entry for this variant (Variation ID: 803300). Algorithms developed to predict the effect of sequence changes on RNA splicing suggest that this variant may disrupt the consensus splice site. For these reasons, this variant has been classified as Pathogenic.

Mendelics
Classification: Likely pathogenic for Developmental and epileptic encephalopathy, 25. Last evaluated: 2019-05-28. Review status: criteria provided, single submitter. Criteria: Mendelics Assertion Criteria 2017. Collection method: clinical testing. Allele origin: unknown.

Literature cited by the submitters: PubMed 16199547 (cited by Labcorp Genetics (formerly Invitae), Labcorp); PubMed 24995870 (cited by Labcorp Genetics (formerly Invitae), Labcorp); PubMed 26384929 (cited by Labcorp Genetics (formerly Invitae), Labcorp); PubMed 27261973 (cited by Labcorp Genetics (formerly Invitae), Labcorp); PubMed 27600704 (cited by Labcorp Genetics (formerly Invitae), Labcorp).